The following is an entry in ClinVar:

NM_001148.6(ANK2):c.4538A>G (p.Asp1513Gly)

Gene: ANK2 (ankyrin 2; plus strand). Cytogenetic location: 4q26.
Variant type: single nucleotide variant.
Coding change: c.4538A>G on transcript NM_001148.6 (MANE Select); coding-DNA position 4538, A replaced by G.
Protein change: p.Asp1513Gly; replaces aspartic acid 1513 with glycine.
Molecular consequence: missense variant. On other transcripts: intron variant (68).
Genome position (GRCh38, 1-based): chr4:113,353,156, A>G. VCF-style: chr4-113353156-A-G. GRCh37 (hg19) VCF-style: chr4-114274312-A-G.
Other names: c.4304A>G, p.Asp1435Gly (NM_001386142.1); c.938A>G, p.Asp313Gly (NM_001386166.1); c.4679A>G, p.Asp1560Gly (NM_001386174.1); c.4655A>G, p.Asp1552Gly (NM_001386175.1); c.4411+2907A>G (NM_001386186.2, NM_001386148.2); c.4213+2907A>G (NM_001354269.3); c.4291+2907A>G (NM_001386187.2); c.4252+2907A>G (NM_001386147.1); and 35 more; short protein forms D1513G, D1435G, D1552G, D1560G, D313G.
Identifiers: ClinVar variation 653919 (VCV000653919.5), dbSNP rs1588889129, ClinGen allele CA357914869.

ClinVar aggregate classification (germline): Uncertain significance (1 of 4 stars; one submission).

Conditions:
Long QT syndrome (LQTS). Identifiers: MedGen C0023976, MeSH D008133, MONDO:0002442. Disease mechanism: loss of function. Inheritance: Various modes of inheritance.

Allele frequency attached by ClinVar (database versions not stated): gnomAD exomes below 0.00001.
gnomAD v4.1: 2 of 1,614,090 alleles (0.00012%); highest among the groups gnomAD compares: Non-Finnish European, 0.00017%; no homozygotes.

Submission:

Labcorp Genetics (formerly Invitae), Labcorp
Classification: Uncertain significance for Long QT syndrome. Last evaluated: 2023-05-09. Review status: criteria provided, single submitter. Criteria: Invitae Variant Classification Sherloc (09022015). Collection method: clinical testing. Allele origin: germline.
Comment: ClinVar contains an entry for this variant (Variation ID: 653919). In summary, the available evidence is currently insufficient to determine the role of this variant in disease. Therefore, it has been classified as a Variant of Uncertain Significance. Algorithms developed to predict the effect of missense changes on protein structure and function output the following: SIFT: "Not Available"; PolyPhen-2: "Benign"; Align-GVGD: "Not Available". The glycine amino acid residue is found in multiple mammalian species, which suggests that this missense change does not adversely affect protein function. This variant has not been reported in the literature in individuals affected with ANK2-related conditions. This variant is not present in population databases (gnomAD no frequency). This sequence change replaces aspartic acid, which is acidic and polar, with glycine, which is neutral and non-polar, at codon 1513 of the ANK2 protein (p.Asp1513Gly).